The following is an entry in ClinVar:

NM_007294.4(BRCA1):c.2641G>C (p.Glu881Gln)

Gene: BRCA1 (BRCA1 DNA repair associated; minus strand). Cytogenetic location: 17q21.31.
Variant type: single nucleotide variant.
Coding change: c.2641G>C on transcript NM_007294.4 (MANE Select); coding-DNA position 2641, G replaced by C.
Protein change: p.Glu881Gln; replaces glutamic acid 881 with glutamine.
Molecular consequence: missense variant. On other transcripts: intron variant (137).
Genome position (GRCh38, 1-based): chr17:43,092,890, C>G on the plus strand (G>C on the coding strand, the complement: BRCA1 is on the minus strand). VCF-style: chr17-43092890-C-G. GRCh37 (hg19) VCF-style: chr17-41244907-C-G.
Other names: c.784+1854G>C (NM_001408399.1, NM_001407984.1, NM_001408407.1 and 13 more transcripts); c.664+1854G>C (NM_001408443.1, NM_001408439.1, NM_001408425.1 and 12 more transcripts); c.671-1858G>C (NM_001408419.1, NM_001408423.1, NM_001408420.1 and 2 more transcripts); c.787+1854G>C (NM_001408403.1, NM_001407983.1, NM_001407975.1 and 17 more transcripts); c.790+1851G>C (NM_001408406.1); c.646+1854G>C (NM_001408456.1, NM_001408458.1, NM_001408469.1 and 11 more transcripts); c.643+1854G>C (NM_001408465.1, NM_001408470.1, NM_001408464.1 and 3 more transcripts); c.577+1854G>C (NM_001408482.1, NM_001408489.1, NM_001408479.1 and 9 more transcripts); and 41 more; short protein forms E585Q, E713Q, E753Q, E754Q, E769Q, E770Q, E792Q, E793Q.
Identifiers: ClinVar variation 4856533 (VCV004856533.1).

ClinVar aggregate classification (germline): Benign (1 of 4 stars; one submission).

Conditions:
Breast-ovarian cancer, familial, susceptibility to, 1 (BROVCA1). Also called: OVARIAN CANCER, SUSCEPTIBILITY TO; BRCA1 Hereditary Breast and Ovarian Cancer. Identifiers: Orphanet 145, MedGen C2676676, MONDO:0011450, OMIM 604370. Disease mechanism: loss of function.

gnomAD v4.1: 1 of 1,613,904 alleles (0.000062%); highest among the groups gnomAD compares: South Asian, 0.0011%; no homozygotes.

Submission:

Cancer Bioinformatics and Tumour Evolution Laboratory, Monash University
Classification: Benign for Breast-ovarian cancer, familial, susceptibility to, 1. Last evaluated: 2026-05-01. Review status: criteria provided, single submitter. Criteria: ClinGen BRCA1 and BRCA2 Guidelines, 2024. Collection method: curation. Allele origin: germline. Inheritance: Autosomal dominant inheritance.
Comment: PMID: 32546644 - HDR assay in the presence of iPARP drugs showed that this variant had a neutral effect. This qualifies the variant for BS3 application. Variant is also a missense outside the functional domain with no predicted splice impact. BRCA1 and BRCA2 VCEP guidelines recommend application of BP1_Strong (PMID: 39142283)

Literature cited by the submitters: PubMed 32546644.